The following is an entry in ClinVar:

ClinVar aggregate classification (germline): Likely pathogenic (1 of 4 stars; one submission).

Conditions:
Dihydropteridine reductase deficiency (HPABH4C). Also called: BH4-Deficient Hyperphenylalaninemia C; HYPERPHENYLALANINEMIA, TETRAHYDROBIOPTERIN-DEFICIENT, DUE TO DHPR DEFICIENCY; QDPR DEFICIENCY; QUINOID DIHYDROPTERIDINE REDUCTASE DEFICIENCY; Phenylketonuria II; Hyperphenylalaninemia due to dihydropteridine reductase deficiency. Identifiers: Orphanet 226, Orphanet 238583, MedGen C0268465, MONDO:0009862, OMIM 261630.

Submission:

Laboratory of Functional Genomics, Research Centre for Medical Genetics
Classification: Likely pathogenic for Dihydropteridine reductase deficiency. Last evaluated: 2023-05-25. Review status: criteria provided, single submitter. Criteria: ACMG Guidelines, 2015. Collection method: clinical testing. Allele origin: unknown. Inheritance: Autosomal recessive inheritance. Affected: yes. Observed: 1 compound heterozygote.
Comment: The variant is localised in trans-position with the likely pathogenic frame-shift variant NM_000320.3:c.384_387del, moreover substitution c.106T>G is in the position, where another pathogenic missens-variant (NM_000320.3:c.106T>C) was previously discribed. Overall the variant meets the following criteria: PM2, PM5, PP3, PP3. So, according to ACMG 2015, the variant should be classified as likely pathogenic.

NM_000320.3(QDPR):c.106T>G (p.Trp36Gly)

Gene: QDPR (quinoid dihydropteridine reductase; minus strand). Cytogenetic location: 4p15.32.
Variant type: single nucleotide variant.
Coding change: c.106T>G on transcript NM_000320.3 (MANE Select); coding-DNA position 106, T replaced by G.
Protein change: p.Trp36Gly; replaces tryptophan 36 with glycine.
Molecular consequence: missense variant. On other transcripts: non-coding transcript variant (1), intron variant (1).
Genome position (GRCh38, 1-based): chr4:17,509,363, A>C on the plus strand (T>G on the coding strand, the complement: QDPR is on the minus strand). VCF-style: chr4-17509363-A-C. GRCh37 (hg19) VCF-style: chr4-17510986-A-C.
Other names: chr4:17510986A>C; c.105+2587T>G (NM_001306140.2); short protein forms W36G.
Identifiers: ClinVar variation 2504648 (VCV002504648.2), dbSNP rs104893865, ClinGen allele CA356453667.
Genomic context (GRCh38, chr4:17,509,363, plus strand): 5'-TTTTAACAATGATGCTAGCGCTGGCCTCTTCATTCTCCACCACATCAACGCTGGCAACCC[A>C]CTGGAAGGAGAAAACAGCTTTGGTTAAGAGGCAGTGAGTTGTTATTCCATGAAAGAGTCA-3'
Protein context (NP_000311.2, residues 26-46): CVQAFRARNW[Trp36Gly]VASVDVVENE